The following is an entry in ClinVar:

NM_000049.4(ASPA):c.905C>T (p.Thr302Met)

Genes: ASPA (aspartoacylase; plus strand), SPATA22 (spermatogenesis associated 22; minus strand). Cytogenetic location: 17p13.2.
Variant type: single nucleotide variant.
Coding change: c.905C>T on transcript NM_000049.4 (MANE Select); coding-DNA position 905, C replaced by T.
Protein change: p.Thr302Met; replaces threonine 302 with methionine.
Molecular consequence: missense variant. On other transcripts: intron variant (2).
Genome position (GRCh38, 1-based): chr17:3,499,051, C>T. VCF-style: chr17-3499051-C-T. GRCh37 (hg19) VCF-style: chr17-3402345-C-T.
Other names: c.905C>T, p.Thr302Met (NM_001128085.1); c.-74+14361G>A (NM_001321336.2, NM_001321337.2); short protein forms T302M.
Identifiers: ClinVar variation 322668 (VCV000322668.9), dbSNP rs763869261, ClinGen allele CA8289060.

ClinVar aggregate classification (germline): Uncertain significance (1 of 4 stars; one submission).

Conditions:
Spongy degeneration of central nervous system. Also called: Canavan disease; AMINOACYLASE 2 DEFICIENCY; ACY2 DEFICIENCY; ASP DEFICIENCY; ASPA DEFICIENCY; ASPARTOACYLASE DEFICIENCY. Identifiers: Orphanet 141, MedGen C0206307, MONDO:0010079, OMIM 271900.

Allele frequency attached by ClinVar (database versions not stated): gnomAD exomes below 0.00001; TOPMed below 0.00001; ExAC 0.00001; gnomAD 0.00002.
gnomAD v4.1: 8 of 1,613,968 alleles (0.0005%); highest among the groups gnomAD compares: East Asian, 0.0022%; no homozygotes.

Submission:

Labcorp Genetics (formerly Invitae), Labcorp
Classification: Uncertain significance for Spongy degeneration of central nervous system. Last evaluated: 2021-11-18. Review status: criteria provided, single submitter. Criteria: Invitae Variant Classification Sherloc (09022015). Collection method: clinical testing. Allele origin: germline.
Comment: This sequence change replaces threonine, which is neutral and polar, with methionine, which is neutral and non-polar, at codon 302 of the ASPA protein (p.Thr302Met). This variant is present in population databases (rs763869261, gnomAD 0.005%). This variant has not been reported in the literature in individuals affected with ASPA-related conditions. ClinVar contains an entry for this variant (Variation ID: 322668). Advanced modeling of protein sequence and biophysical properties (such as structural, functional, and spatial information, amino acid conservation, physicochemical variation, residue mobility, and thermodynamic stability) performed at Invitae indicates that this missense variant is not expected to disrupt ASPA protein function. In summary, the available evidence is currently insufficient to determine the role of this variant in disease. Therefore, it has been classified as a Variant of Uncertain Significance.